The following is an entry in ClinVar:

ClinVar aggregate classification (germline): Uncertain significance (1 of 4 stars; one submission).

Submission:

GeneDx
Classification: Uncertain significance. Last evaluated: 2016-07-25. Review status: criteria provided, single submitter. Criteria: GeneDx Variant Classification (06012015). Collection method: clinical testing. Allele origin: germline. Affected: yes.
Comment: The G357R variant in the DCX gene has not been reported previously as a pathogenic variant, nor as a benign variant, to our knowledge. The G357R variant was not observed in approximately 6500 individuals of European and African American ancestry in the NHLBI Exome Sequencing Project, indicating it is not a common benign variant in these populations. The G357R variant is a non-conservative amino acid substitution, which is likely to impact secondary protein structure as these residues differ in polarity, charge, size and/or other properties. This substitution occurs at a position that is conserved across species and in silico analysis predicts this variant is probably damaging to the protein structure/function. We interpret G357R as a variant of uncertain significance

NM_001195553.2(DCX):c.1087G>C (p.Gly363Arg)

Gene: DCX (doublecortin; minus strand). Cytogenetic location: Xq23.
Variant type: single nucleotide variant.
Coding change: c.1087G>C on transcript NM_001195553.2 (MANE Select); coding-DNA position 1087, G replaced by C.
Protein change: p.Gly363Arg; replaces glycine 363 with arginine.
Molecular consequence: missense variant. On other transcripts: 3 prime UTR variant (2).
Genome position (GRCh38, 1-based): chrX:111,301,701, C>G on the plus strand (G>C on the coding strand, the complement: DCX is on the minus strand). VCF-style: chrX-111301701-C-G. GRCh37 (hg19) VCF-style: chrX-110544929-C-G.
Other names: c.1312G>C, p.Gly438Arg (NM_000555.3); c.1087G>C, p.Gly363Arg (NM_001369370.1); c.1084G>C, p.Gly362Arg (NM_001369371.1, NM_178152.3); c.1072G>C, p.Gly358Arg (NM_001369372.1); c.*14G>C (NM_001369373.1, NM_001369374.1); c.1069G>C, p.Gly357Arg (NM_178151.3, NM_178153.3); short protein forms G357R, G362R, G438R, G358R, G363R.
Identifiers: ClinVar variation 421668 (VCV000421668.2), dbSNP rs1064795284, ClinGen allele CA16621175.